The following is an entry in ClinVar:

NM_000275.3(OCA2):c.1488A>T (p.Gln496His)

Gene: OCA2 (OCA2 melanosomal transmembrane protein; minus strand). Cytogenetic location: 15q13.1.
Variant type: single nucleotide variant.
Coding change: c.1488A>T on transcript NM_000275.3 (MANE Select); coding-DNA position 1488, A replaced by T.
Protein change: p.Gln496His; replaces glutamine 496 with histidine.
Molecular consequence: missense variant.
Genome position (GRCh38, 1-based): chr15:27,983,360, T>A on the plus strand (A>T on the coding strand, the complement: OCA2 is on the minus strand). VCF-style: chr15-27983360-T-A. GRCh37 (hg19) VCF-style: chr15-28228506-T-A.
Other names: c.1416A>T, p.Gln472His (NM_001300984.2); short protein forms Q472H, Q496H.
Identifiers: ClinVar variation 1929961 (VCV001929961.3), dbSNP rs2041230833, ClinGen allele CA391359218.

ClinVar aggregate classification (germline): Uncertain significance (1 of 4 stars; one submission).

Allele frequency attached by ClinVar (database versions not stated): TOPMed below 0.00001; gnomAD 0.00001.
gnomAD v4.1: 1 of 1,614,046 alleles (0.000062%); highest among the groups gnomAD compares: Admixed American, 0.0017%; no homozygotes.

Submission:

Labcorp Genetics (formerly Invitae), Labcorp
Classification: Uncertain significance. Last evaluated: 2022-06-14. Review status: criteria provided, single submitter. Criteria: Invitae Variant Classification Sherloc (09022015). Collection method: clinical testing. Allele origin: germline.
Comment: This sequence change replaces glutamine, which is neutral and polar, with histidine, which is basic and polar, at codon 496 of the OCA2 protein (p.Gln496His). In summary, the available evidence is currently insufficient to determine the role of this variant in disease. Therefore, it has been classified as a Variant of Uncertain Significance. Advanced modeling of protein sequence and biophysical properties (such as structural, functional, and spatial information, amino acid conservation, physicochemical variation, residue mobility, and thermodynamic stability) performed at Invitae indicates that this missense variant is not expected to disrupt OCA2 protein function. This variant has not been reported in the literature in individuals affected with OCA2-related conditions. This variant is not present in population databases (gnomAD no frequency).